The following is an entry in ClinVar:

NM_005219.5(DIAPH1):c.402+2T>C

Gene: DIAPH1 (diaphanous related formin 1; minus strand). Cytogenetic location: 5q31.3.
Variant type: single nucleotide variant.
Coding change: c.402+2T>C on transcript NM_005219.5 (MANE Select); the canonical splice donor site of the intron after coding-DNA position 402, T replaced by C.
Molecular consequence: splice donor variant.
Genome position (GRCh38, 1-based): chr5:141,584,122, A>G on the plus strand (T>C on the coding strand, the complement: DIAPH1 is on the minus strand). VCF-style: chr5-141584122-A-G. GRCh37 (hg19) VCF-style: chr5-140963689-A-G.
Other names: c.375+2T>C (NM_001079812.3); c.402+2T>C (NM_001314007.2).
Identifiers: ClinVar variation 1475715 (VCV001475715.8), dbSNP rs2154596613, ClinGen allele CA361543365.

ClinVar aggregate classification (germline): Likely pathogenic (1 of 4 stars; one submission).

Conditions:
Progressive microcephaly-seizures-cortical blindness-developmental delay syndrome. Also called: Seizures, cortical blindness, and microcephaly syndrome. Identifiers: Orphanet 477814, MedGen C5567650, MONDO:0014714, OMIM 616632.
Autosomal dominant nonsyndromic hearing loss 1. Also called: KONIGSMARK SYNDROME; DEAFNESS, AUTOSOMAL DOMINANT 1, WITH OR WITHOUT THROMBOCYTOPENIA. Identifiers: Orphanet 90635, MedGen C1852282, MONDO:0007424, OMIM 124900.

Submission:

Labcorp Genetics (formerly Invitae), Labcorp
Classification: Likely pathogenic for Progressive microcephaly-seizures-cortical blindness-developmental delay syndrome; Autosomal dominant nonsyndromic hearing loss 1. Last evaluated: 2023-09-25. Review status: criteria provided, single submitter. Criteria: Invitae Variant Classification Sherloc (09022015). Collection method: clinical testing. Allele origin: germline.
Comment: This sequence change affects a donor splice site in intron 4 of the DIAPH1 gene. It is expected to disrupt RNA splicing. Variants that disrupt the donor or acceptor splice site typically lead to a loss of protein function (PMID: 16199547), and loss-of-function variants in DIAPH1 are known to be pathogenic (PMID: 24781755, 26463574). This variant is not present in population databases (gnomAD no frequency). This variant has not been reported in the literature in individuals affected with DIAPH1-related conditions. ClinVar contains an entry for this variant (Variation ID: 1475715). Algorithms developed to predict the effect of sequence changes on RNA splicing suggest that this variant may disrupt the consensus splice site. In summary, the currently available evidence indicates that the variant is pathogenic, but additional data are needed to prove that conclusively. Therefore, this variant has been classified as Likely Pathogenic.

Literature cited by the submitters: PubMed 16199547; PubMed 24781755; PubMed 26463574.